The following is an entry in ClinVar:

ClinVar aggregate classification (germline): Uncertain significance. Review status: criteria provided, multiple submitters, no conflicts (2 of 4 stars). 2 submissions from 2 submitters: Uncertain significance (2). Last evaluated 2025-08-19.

Conditions:
Cardiovascular phenotype. Identifiers: MedGen CN230736.
Hypertrophic cardiomyopathy 14. Identifiers: MedGen C2750467, MONDO:0013197, OMIM 613251.

Allele frequency attached by ClinVar (database versions not stated): gnomAD exomes below 0.00001; TOPMed 0.00003.
gnomAD v4.1: 6 of 1,593,534 alleles (0.00038%); highest among the groups gnomAD compares: African/African-American, 0.004%; no homozygotes.

Submissions (2):

Ambry Genetics
Classification: Uncertain significance for Cardiovascular phenotype. Last evaluated: 2025-08-19. Review status: criteria provided, single submitter. Criteria: Ambry Variant Classification Scheme 2023. Collection method: clinical testing. Allele origin: germline.
Comment: The p.E1172V variant (also known as c.3515A>T), located in coding exon 24 of the MYH6 gene, results from an A to T substitution at nucleotide position 3515. The glutamic acid at codon 1172 is replaced by valine, an amino acid with dissimilar properties. This amino acid position is highly conserved in available vertebrate species. In addition, this alteration is predicted to be deleterious by in silico analysis. Since supporting evidence is limited at this time, the clinical significance of this alteration remains unclear.

Labcorp Genetics (formerly Invitae), Labcorp
Classification: Uncertain significance for Hypertrophic cardiomyopathy 14. Last evaluated: 2025-07-20. Review status: criteria provided, single submitter. Criteria: Invitae Variant Classification Sherloc (09022015). Collection method: clinical testing. Allele origin: germline.
Comment: This sequence change replaces glutamic acid, which is acidic and polar, with valine, which is neutral and non-polar, at codon 1172 of the MYH6 protein (p.Glu1172Val). This variant is not present in population databases (gnomAD no frequency). This variant has not been reported in the literature in individuals affected with MYH6-related conditions. ClinVar contains an entry for this variant (Variation ID: 1732196). Invitae Evidence Modeling of protein sequence and biophysical properties (such as structural, functional, and spatial information, amino acid conservation, physicochemical variation, residue mobility, and thermodynamic stability) indicates that this missense variant is expected to disrupt MYH6 protein function with a positive predictive value of 80%. In summary, the available evidence is currently insufficient to determine the role of this variant in disease. Therefore, it has been classified as a Variant of Uncertain Significance.

NM_002471.4(MYH6):c.3515A>T (p.Glu1172Val)

Gene: MYH6 (myosin heavy chain 6; minus strand). Cytogenetic location: 14q11.2.
Variant type: single nucleotide variant.
Coding change: c.3515A>T on transcript NM_002471.4 (MANE Select); coding-DNA position 3515, A replaced by T.
Protein change: p.Glu1172Val; replaces glutamic acid 1172 with valine.
Molecular consequence: missense variant.
Genome position (GRCh38, 1-based): chr14:23,390,274, T>A on the plus strand (A>T on the coding strand, the complement: MYH6 is on the minus strand). VCF-style: chr14-23390274-T-A. GRCh37 (hg19) VCF-style: chr14-23859483-T-A.
Other names: short protein forms E1172V.
Identifiers: ClinVar variation 1732196 (VCV001732196.5), dbSNP rs944098136, ClinGen allele CA257784118.